The following is an entry in ClinVar:

NM_000311.5(PRNP):c.538G>A (p.Val180Ile)

Gene: PRNP (prion protein (Kanno blood group); plus strand). Cytogenetic location: 20p13.
Variant type: single nucleotide variant.
Coding change: c.538G>A on transcript NM_000311.5 (MANE Select); coding-DNA position 538, G replaced by A.
Protein change: p.Val180Ile; replaces valine 180 with isoleucine.
Molecular consequence: missense variant. On other transcripts: 3 prime UTR variant (1).
Genome position (GRCh38, 1-based): chr20:4,699,758, G>A. VCF-style: chr20-4699758-G-A. GRCh37 (hg19) VCF-style: chr20-4680404-G-A.
Other names: PRNP, VAL180ILE (rs74315408); c.538G>A, p.Val180Ile (NM_001080121.3, NM_001080122.3, NM_001080123.3 and 1 more transcripts); c.*227G>A (NM_001271561.3); short protein forms V180I.
Identifiers: ClinVar variation 13405 (VCV000013405.21), dbSNP rs74315408, ClinGen allele CA256782.

ClinVar aggregate classification (germline): Pathogenic/Likely pathogenic/Pathogenic, low penetrance. Review status: criteria provided, multiple submitters, no conflicts (2 of 4 stars). 9 submissions from 9 submitters: Pathogenic (2); Likely pathogenic (3); Pathogenic, low penetrance (1). 3 of the submissions do not count toward it. Last evaluated 2025-11-24.

Conditions:
Congenital portosystemic shunt. Identifiers: Orphanet 480531, MedGen C1290495, MONDO:0018811.
Huntington disease-like 1 (HDL1). Also called: HUNTINGTON-LIKE NEURODEGENERATIVE DISORDER 1; HUNTINGTON-LIKE NEURODEGENERATIVE DISORDER, AUTOSOMAL DOMINANT; PRION DISEASE, EARLY-ONSET, WITH PROMINENT PSYCHIATRIC FEATURES. Identifiers: Orphanet 157941, MedGen C1864112, MONDO:0011299, OMIM 603218.
Fatal familial insomnia (FFI). Also called: Fatal Familial Insomnia (FFI). Identifiers: Orphanet 466, MedGen C0206042, MONDO:0010808, OMIM 600072.
Gerstmann-Straussler-Scheinker syndrome (GSD). Also called: GERSTMANN-STRAUSSLER DISEASE; Gerstmann-Sträussler-Scheinker Syndrome (GSS); Spinocerebellar ataxia and plaque-like deposits; CEREBELLAR ATAXIA, PROGRESSIVE DEMENTIA, AND AMYLOID DEPOSITS IN CNS; Spongiform encephalopathy; Cerebellar ataxia, progressive dementia, and amyloid deposits in the central nervous system. Identifiers: Orphanet 356, MedGen C0017495, MONDO:0007656, OMIM 137440.
Spongiform encephalopathy with neuropsychiatric features. Identifiers: MedGen C1847650, MONDO:0011703, OMIM 606688.
Inherited Creutzfeldt-Jakob disease. Also called: Creutzfeldt-Jakob Disease, Familial; Genetic Creutzfeldt-Jakob Disease (Genetic CJD). Identifiers: Orphanet 204, Orphanet 282166, Orphanet 454700, MedGen C0751254, MONDO:0007403, OMIM 123400.
Kuru, susceptibility to. Identifiers: Orphanet 454745, MedGen C1855588, MONDO:0009500, OMIM 245300.
Inherited prion disease. Identifiers: Orphanet 280400, MedGen C5679775, MONDO:0017234.

Allele frequency attached by ClinVar (database versions not stated): gnomAD 0.00003 and 0.00005; ExAC 0.00005; gnomAD exomes 0.00006 and 0.00009; TOPMed 0.00002; 1000 Genomes Project 30x 0.00016; 1000 Genomes Project 0.00020.
gnomAD v4.1: 140 of 1,614,004 alleles (0.0087%); highest among the groups gnomAD compares: East Asian, 0.22%; 1 homozygote.

Submissions (9):

Labcorp Genetics (formerly Invitae), Labcorp
Classification: Pathogenic, low penetrance for Huntington disease-like 1. Last evaluated: 2025-11-24. Review status: criteria provided, single submitter. Criteria: Invitae Variant Classification Sherloc (09022015). Collection method: clinical testing. Allele origin: germline.
Comment: This sequence change replaces valine, which is neutral and non-polar, with isoleucine, which is neutral and non-polar, at codon 180 of the PRNP protein (p.Val180Ile). The frequency data for this variant in the population databases is considered unreliable, as metrics indicate poor data quality at this position in the gnomAD database. This missense change has been observed in individuals with clinical features of Creutzfeldt-Jakob syndrome or prion disease (PMID: 8461023, 21269331, 22999564, 23555862, 25482600, 26791950). A large case control study reported that individuals carrying this variant have a life-time risk of developing prion disease of approximately 1% (PMID: 26791950). ClinVar contains an entry for this variant (Variation ID: 13405). Invitae Evidence Modeling of protein sequence and biophysical properties (such as structural, functional, and spatial information, amino acid conservation, physicochemical variation, residue mobility, and thermodynamic stability) indicates that this missense variant is not expected to disrupt PRNP protein function with a negative predictive value of 80%. Experimental studies have shown that this missense change affects PRNP function (PMID: 17494694, 23132868, 23527023, 29382530). In summary, this variant is reported to cause disease. However, as this variant is associated with a lower penetrance than other pathogenic alleles in the PRNP gene, it has been classified as Pathogenic (low penetrance).

3billion
Classification: Likely pathogenic for Spongiform encephalopathy with neuropsychiatric features. Last evaluated: 2024-06-14. Review status: criteria provided, single submitter. Criteria: ACMG Guidelines, 2015. Collection method: clinical testing. Allele origin: germline. Affected: yes.
Comment: The variant is observed at an allele frequency greater than expected for the associated disorder in the gnomAD v4.0.0 dataset. Predicted Consequence/Location: Missense changes are a common disease-causing mechanism. In silico tool predictions suggest damaging effect of the variant on gene or gene product [REVEL: 0.62 (>=0.6, sensitivity 0.68 and specificity 0.92); 3Cnet: 0.77 (>=0.6, sensitivity 0.72 and precision 0.9)]. The same nucleotide change resulting in the same amino acid change has been previously reported as pathogenic/likely pathogenic with strong evidence (ClinVar ID: VCV000013405 /PMID: 8461023). Therefore, this variant is classified as Likely pathogenic according to the recommendation of ACMG/AMP guideline.

Fulgent Genetics
Classification: Pathogenic for Inherited Creutzfeldt-Jakob disease; Gerstmann-Straussler-Scheinker syndrome; Kuru, susceptibility to; Fatal familial insomnia; Huntington disease-like 1; Spongiform encephalopathy with neuropsychiatric features. Last evaluated: 2021-11-24. Review status: criteria provided, single submitter. Criteria: ACMG Guidelines, 2015. Collection method: clinical testing. Allele origin: unknown.

Illumina Laboratory Services, Illumina
Classification: Pathogenic for Genetic prion diseases. Last evaluated: 2019-04-05. Review status: criteria provided, single submitter. Criteria: ICSL Variant Classification Criteria 09 May 2019. Collection method: clinical testing. Allele origin: germline.
Comment: The PRNP c.538G>A (p.Val180Ile) missense variant is the most common pathogenic variant found in association with Creutzfeldt-Jacob disease (CJD) (Lee et al. 2016). Across a selection of the available literature, the p.Val180Ile variant has been identified in a heterozygous state in at least 194 individuals with prion diseases and in one individual with CJD (Kitamoto et al. 1993; Chasseigneaux et al. 2006; Yang et al. 2010; Yoshida et al. 2010; Moe Lee et al. 2012; Higuma et al. 2013; Shi et al. 2014; Qina et al. 2014). Qina et al. (2014) also noted that only 11 out of 186 Japanese patients with the p.Val180Ile variant had a family history of dementia, suggesting that this variant may have reduced penetrance. Patients carrying the p.Val180Ile variant have a later onset of disease (late 70s), with a slower progression and a lower possibility of developing myoclonus, cerebellar, pyramidal signs and visual disturbance as compared to classic CJD presentation (Qina et al. 2014). The p.Val180Ile variant was absent from 159 control individuals without neurological diseases from the above studies but is reported at a frequency of 0.00035 in the East Asian population of the Exome Aggregation Consortium. This frequency is unexpectedly high given the expected prevalence of this condition. Due to the large number of clinical cases with genetic prion diseases carrying this variant, this variant is classified as pathogenic for genetic prion diseases. However, the specific implications of this variant are somewhat uncertain given the later onset, milder presentation, and high population frequency that have been associated with this variant. This variant was observed by ICSL as part of a predisposition screen in an ostensibly healthy population.

Soonchunhyang University Bucheon Hospital, Soonchunhyang University Medical Center
Classification: Likely pathogenic for Inherited Creutzfeldt-Jakob disease. Last evaluated: 2016-03-18. Review status: criteria provided, single submitter. Criteria: ACMG Guidelines, 2015. Collection method: reference population. Allele origin: germline. Observed: 1 variant allele.

Juno Genomics, Hangzhou Juno Genomics, Inc
Classification: Likely pathogenic for Inherited Creutzfeldt-Jakob disease. Review status: criteria provided, single submitter. Criteria: ACMG Guidelines, 2015. Collection method: clinical testing. Allele origin: germline. Affected: yes.
Comment: The prevalence of the variant in affected individuals is significantly increased compared to the prevalence in controls.;Patient's phenotype or family history is highly specific for a disease with a single genetic etiology.;Well-established in vitro or in vivo functional studies supportive of a damaging effect on the gene or gene product.

OMIM
Classification: Pathogenic for CREUTZFELDT-JAKOB DISEASE. Last evaluated: 2004-02-10. Review status: no assertion criteria provided. Collection method: literature only. Allele origin: germline. Not counted in ClinVar's aggregate classification.

GeneReviews
No classification provided. Condition: Inherited Creutzfeldt-Jakob disease. Review status: no classification provided. Collection method: literature only. Allele origin: germline. Not counted in ClinVar's aggregate classification.
Comment: One of the five most common variants that account for 85% of genetic prion disease.

Department of Pediatrics, Graduate School of Medical Sciences, Kyushu University
Classification: Uncertain significance for Congenital portosystemic shunt. Last evaluated: 2026-02-27. Review status: flagged submission. Criteria: ACMG Guidelines, 2015. Collection method: research. Allele origin: germline. Affected: yes. Not counted in ClinVar's aggregate classification.
Comment: The variant is rare in population databases. Although loss-of-function variants in this gene have been reported in other disorders, an association between this gene and CPSS has not been established. Therefore, the clinical significance of this variant in relation to CPSS is currently classified as a variant of uncertain significance (VUS).
ClinVar note: Reason: Unnecessary conflicting claim for distinct condition when other classifications are more relevant

Literature cited by the submitters: PubMed 8461023 (cited by 5 submitters); PubMed 21269331 (cited by Labcorp Genetics (formerly Invitae), Labcorp); PubMed 22999564 (cited by Labcorp Genetics (formerly Invitae), Labcorp); PubMed 23555862 (cited by Labcorp Genetics (formerly Invitae), Labcorp and Illumina Laboratory Services, Illumina); PubMed 25482600 (cited by Labcorp Genetics (formerly Invitae), Labcorp and Illumina Laboratory Services, Illumina); PubMed 26791950 (cited by Labcorp Genetics (formerly Invitae), Labcorp and OMIM); PubMed 17494694 (cited by Labcorp Genetics (formerly Invitae), Labcorp); PubMed 23132868 (cited by Labcorp Genetics (formerly Invitae), Labcorp); PubMed 23527023 (cited by Labcorp Genetics (formerly Invitae), Labcorp); PubMed 29382530 (cited by Labcorp Genetics (formerly Invitae), Labcorp); PubMed 27341347 (cited by Illumina Laboratory Services, Illumina); PubMed 24838726 (cited by Illumina Laboratory Services, Illumina); PubMed 20592908 (cited by Illumina Laboratory Services, Illumina); PubMed 19703264 (cited by Illumina Laboratory Services, Illumina); PubMed 17029785 (cited by Illumina Laboratory Services, Illumina); PubMed 22561193 (cited by Illumina Laboratory Services, Illumina); PubMed 14761942 (cited by Soonchunhyang University Bucheon Hospital, Soonchunhyang University Medical Center); PubMed 23176099 (cited by Soonchunhyang University Bucheon Hospital, Soonchunhyang University Medical Center); PubMed 14872044 (cited by OMIM); PubMed 29887139 (cited by GeneReviews); PubMed 20301407 (cited by GeneReviews).